The following is an entry in ClinVar:

NM_019032.6(ADAMTSL4):c.1142dup (p.Pro381_Glu382insTer)

Genes: ADAMTSL4 (ADAMTS like 4; plus strand), ADAMTSL4-AS2 (ADAMTSL4 antisense RNA 2; minus strand). Cytogenetic location: 1q21.2.
Variant type: Duplication.
Coding change: c.1142dup on transcript NM_019032.6 (MANE Select); coding-DNA position 1142, one base duplicated (C; older notation c.1142dupC).
Protein change: p.Pro381_Glu382insTer.
Molecular consequence: frameshift variant.
Genome position (GRCh38, 1-based): chr1:150,554,375, C duplicated; the last of 6 consecutive C bases (chr1:150,554,370-150,554,375); duplicating any one gives the same sequence. VCF-style (leftmost placement, unchanged base first): chr1-150554369-G-GC. GRCh37 (hg19) VCF-style: chr1-150526845-G-GC.
Other names: c.1142dup, p.Pro381_Glu382insTer (NM_001288607.2, NM_001288608.2, NM_001378596.1 and 1 more transcripts).
Identifiers: ClinVar variation 3724133 (VCV003724133.2).

ClinVar aggregate classification (germline): Pathogenic (1 of 4 stars; one submission).

Submission:

Labcorp Genetics (formerly Invitae), Labcorp
Classification: Pathogenic. Last evaluated: 2024-10-30. Review status: criteria provided, single submitter. Criteria: Invitae Variant Classification Sherloc (09022015). Collection method: clinical testing. Allele origin: germline.
Comment: This sequence change creates a premature translational stop signal (p.Glu382*) in the ADAMTSL4 gene. It is expected to result in an absent or disrupted protein product. Loss-of-function variants in ADAMTSL4 are known to be pathogenic (PMID: 20564469, 28642162). This variant is present in population databases (rs749402444, gnomAD 0.0009%). This variant has not been reported in the literature in individuals affected with ADAMTSL4-related conditions. For these reasons, this variant has been classified as Pathogenic.

Literature cited by the submitters: PubMed 20564469; PubMed 28642162.